The following is an entry in ClinVar:

NM_000487.6(ARSA):c.1432C>T (p.Gln478Ter)

Gene: ARSA (arylsulfatase A; minus strand). Cytogenetic location: 22q13.33.
Variant type: single nucleotide variant.
Coding change: c.1432C>T on transcript NM_000487.6 (MANE Select); coding-DNA position 1432, C replaced by T.
Protein change: p.Gln478Ter; replaces glutamine 478 with a stop codon.
Molecular consequence: nonsense.
Genome position (GRCh38, 1-based): chr22:50,625,243, G>A on the plus strand (C>T on the coding strand, the complement: ARSA is on the minus strand). VCF-style: chr22-50625243-G-A. GRCh37 (hg19) VCF-style: chr22-51063671-G-A.
Other names: c.1432C>T, p.Gln478Ter (NM_001085425.3, NM_001085426.3, NM_001085427.3); c.1174C>T, p.Gln392Ter (NM_001085428.3, NM_001362782.2); short protein forms Q392*, Q478*.
Identifiers: ClinVar variation 4818444 (VCV004818444.1).
Genomic context (GRCh38, chr22:50,625,243, plus strand): 5'-GGGGGGTGCAGCCAGGATGACAGCAGATCTGCAGGGCGGGGTCCTCGCCCCGGGCCACCT[G>A]GCTGGGGCCGAAGGTCACAGCTGCGTCTAACTGGGCCTTGAGCAGCTGAAGCTGTTTCAG-3'

ClinVar aggregate classification (germline): Likely pathogenic (1 of 4 stars; one submission).

Conditions:
Metachromatic leukodystrophy (MLD). Also called: ARSA DEFICIENCY; CEREBROSIDE SULFATASE DEFICIENCY; Arylsulfatase A Deficiency; METACHROMATIC LEUKOENCEPHALOPATHY; SULFATIDE LIPIDOSIS; Cerebral sclerosis diffuse metachromatic form. Identifiers: Orphanet 512, MedGen C0023522, MONDO:0018868, OMIM 250100.

Submission:

Natera, Inc.
Classification: Likely pathogenic for Metachromatic leukodystrophy. Last evaluated: 2024-03-12. Review status: criteria provided, single submitter. Criteria: Natera Variant Classification Schema (03/2026). Collection method: clinical testing. Allele origin: germline.
Comment: The c.1432C>T variant in ARSA is a nonsense variant predicted to introduce a stop codon at amino acid 478. This variant is expected to result in nonsense mediated decay, truncation, or a dysfunctional protein product. This variant is rare in the general population with a frequency below the threshold expected for the associated phenotype(s). Given the available evidence, this variant is classified as Likely Pathogenic.